The following is an entry in ClinVar:

NC_000004.11:g.(?_22389328)_(22425995_?)del

Gene: ADGRA3 (adhesion G protein-coupled receptor A3; minus strand). Cytogenetic location: 4p15.2.
Variant type: Deletion.
Identifiers: ClinVar variation 1441733 (VCV001441733.7).

ClinVar aggregate classification (germline): Uncertain significance (1 of 4 stars; one submission).

Submission:

Labcorp Genetics (formerly Invitae), Labcorp
Classification: Uncertain significance. Last evaluated: 2022-12-24. Review status: criteria provided, single submitter. Criteria: Invitae Variant Classification Sherloc (09022015). Collection method: clinical testing. Allele origin: germline.
Comment: This variant has not been reported in the literature in individuals affected with ADGRA3-related conditions. In summary, the available evidence is currently insufficient to determine the role of this variant in disease. Therefore, it has been classified as a Variant of Uncertain Significance. This variant is a gross deletion of the genomic region encompassing exon(s) 11-19 of the ADGRA3 gene, which includes the termination codon. This deletion extends beyond the assayed region for this gene and therefore may encompass additional genes. While this deletion is not anticipated to lead to nonsense mediated decay, it is expected to alter mRNA translation or result in a truncated protein product.